The following is an entry in ClinVar:

NM_015978.3(TNNI3K):c.2483G>T (p.Ser828Ile)

Genes: FPGT-TNNI3K (FPGT-TNNI3K readthrough; plus strand), TNNI3K (TNNI3 interacting kinase; plus strand). Cytogenetic location: 1p31.1.
Variant type: single nucleotide variant.
Coding change: c.2483G>T on transcript NM_015978.3 (MANE Select); coding-DNA position 2483, G replaced by T.
Protein change: p.Ser828Ile; replaces serine 828 with isoleucine.
Molecular consequence: missense variant.
Genome position (GRCh38, 1-based): chr1:74,543,957, G>T. VCF-style: chr1-74543957-G-T. GRCh37 (hg19) VCF-style: chr1-75009641-G-T.
Other names: c.2786G>T, p.Ser929Ile (NM_001112808.3); short protein forms S828I, S929I.
Identifiers: ClinVar variation 2092906 (VCV002092906.4), dbSNP rs1018991308, ClinGen allele CA340799691.
Genomic context (GRCh38, chr1:74,543,957, plus strand): 5'-CTGATGCAGGCTATGTATCCGATCCCATGAGCTCAATGCATTTTCATTCTTGCCGAAATA[G>T]TAGCAGCTTTGAGGACAGCAGCTGACAGCATTCGGCGTATACCTAAGGAGAGTTTTTTCC-3'
Protein context (NP_057062.1, residues 818-835): SSMHFHSCRN[Ser828Ile]SSFEDSS

ClinVar aggregate classification (germline): Uncertain significance (1 of 4 stars; one submission).

gnomAD v4.1: 1 of 1,613,268 alleles (0.000062%); highest among the groups gnomAD compares: Non-Finnish European, 0.000085%; no homozygotes.

Submission:

Labcorp Genetics (formerly Invitae), Labcorp
Classification: Uncertain significance. Last evaluated: 2025-08-07. Review status: criteria provided, single submitter. Criteria: Invitae Variant Classification Sherloc (09022015). Collection method: clinical testing. Allele origin: germline.
Comment: This sequence change replaces serine, which is neutral and polar, with isoleucine, which is neutral and non-polar, at codon 828 of the TNNI3K protein (p.Ser828Ile). This variant is present in population databases (no rsID available, gnomAD 0.0009%). This variant has not been reported in the literature in individuals affected with TNNI3K-related conditions. ClinVar contains an entry for this variant (Variation ID: 2092906). An algorithm developed to predict the effect of missense changes on protein structure and function (PolyPhen-2) suggests that this variant is likely to be tolerated. In summary, the available evidence is currently insufficient to determine the role of this variant in disease. Therefore, it has been classified as a Variant of Uncertain Significance.